The following is an entry in ClinVar:

NM_000228.3(LAMB3):c.2100_2106del (p.Arg700fs)

Gene: LAMB3 (laminin subunit beta 3; minus strand). Cytogenetic location: 1q32.2.
Variant type: Deletion.
Coding change: c.2100_2106del on transcript NM_000228.3 (MANE Select); coding-DNA positions 2100 to 2106, 7 bases deleted (GGAGCAG; older notation c.2100_2106delGGAGCAG).
Protein change: p.Arg700fs; shifts the reading frame from arginine 700.
Molecular consequence: frameshift variant.
Genome position (GRCh38, 1-based): chr1:209,623,871-209,623,877, CTGCTCC deleted on the plus strand (GGAGCAG on the coding strand, the reverse complement: LAMB3 is on the minus strand); deleting any 7 consecutive bases within chr1:209,623,871-209,623,879 gives the same sequence; the c. name uses the placement nearest the transcript's 3' end. VCF-style (leftmost placement, unchanged base first): chr1-209623870-ACTGCTCC-A. GRCh37 (hg19) VCF-style: chr1-209797215-ACTGCTCC-A.
Other names: c.2100_2106del, p.Arg700fs (NM_001017402.2, NM_001127641.1); short protein forms R700fs.
Identifiers: ClinVar variation 5013539 (VCV005013539.1).

ClinVar aggregate classification (germline): Pathogenic (1 of 4 stars; one submission).

Conditions:
Junctional epidermolysis bullosa. Identifiers: Orphanet 305, MedGen C0079301, MONDO:0017612.

Submission:

Myriad Genetics, Inc.
Classification: Pathogenic for Junctional epidermolysis bullosa. Last evaluated: 2024-09-09. Review status: criteria provided, single submitter. Criteria: Myriad Autosomal Dominant, Autosomal Recessive and X-Linked Classification Criteria (2023). Collection method: clinical testing. Allele origin: unknown.
Comment: NM_000228.2(LAMB3):c.2100_2106del7(R700Sfs*5) is expected to be pathogenic in the context of junctional epidermolysis bullosa, LAMB3-related. This variant is predicted to lead to an abnormal or absent protein product due to the creation of a premature termination codon in LAMB3, a gene where loss-of-function variants are known to be pathogenic. Please note: this variant was assessed in the context of healthy population screening.